The following is an entry in ClinVar:

ClinVar aggregate classification (germline): Pathogenic. Review status: reviewed by expert panel (3 of 4 stars). 2 submissions from 2 submitters: Pathogenic (1). 1 of the submissions does not count toward it. Last evaluated 2016-10-18.

Conditions:
Breast-ovarian cancer, familial, susceptibility to, 2 (BROVCA2). Also called: BRCA2 Hereditary Breast and Ovarian Cancer. Identifiers: Orphanet 145, MedGen C2675520, MONDO:0012933, OMIM 612555. Disease mechanism: loss of function.

Submissions (2):

Evidence-based Network for the Interpretation of Germline Mutant Alleles (ENIGMA)
Classification: Pathogenic for Breast-ovarian cancer, familial, susceptibility to, 2. Last evaluated: 2016-10-18. Review status: reviewed by expert panel. Criteria: ENIGMA BRCA1/2 Classification Criteria (2015). Collection method: curation. Allele origin: germline.
Comment: Variant allele predicted to encode a truncated non-functional protein.

Consortium of Investigators of Modifiers of BRCA1/2 (CIMBA), c/o University of Cambridge
Classification: Pathogenic for Breast-ovarian cancer, familial, susceptibility to, 2. Last evaluated: 2015-10-02. Review status: criteria provided, single submitter. Criteria: CIMBA Mutation Classification guidelines May 2016. Collection method: clinical testing. Allele origin: germline. Not counted in ClinVar's aggregate classification.

NM_000059.4(BRCA2):c.6532_6533insT (p.His2178fs)

Gene: BRCA2 (BRCA2 DNA repair associated; plus strand). Cytogenetic location: 13q13.1.
Variant type: Insertion.
Coding change: c.6532_6533insT on transcript NM_000059.4 (MANE Select); coding-DNA positions 6532 to 6533, T inserted.
Protein change: p.His2178fs; shifts the reading frame from histidine 2178.
Molecular consequence: frameshift variant.
Genome position: GRCh38 VCF-style: chr13-32340887-C-CT. GRCh37 (hg19) VCF-style: chr13-32915024-C-CT.
Other names: 6760_6761insT; short protein forms H2178fs.
Identifiers: ClinVar variation 266959 (VCV000266959.5), dbSNP rs1555284745, ClinGen allele CA10589388.